The following is an entry in ClinVar:

ClinVar aggregate classification (germline): Uncertain significance (1 of 4 stars; one submission).

Submission:

Labcorp Genetics (formerly Invitae), Labcorp
Classification: Uncertain significance. Last evaluated: 2024-11-19. Review status: criteria provided, single submitter. Criteria: Invitae Variant Classification Sherloc (09022015). Collection method: clinical testing. Allele origin: germline.
Comment: This sequence change replaces glycine, which is neutral and non-polar, with serine, which is neutral and polar, at codon 140 of the NKX2-1 protein (p.Gly140Ser). This variant is not present in population databases (gnomAD no frequency). This variant has not been reported in the literature in individuals affected with NKX2-1-related conditions. An algorithm developed to predict the effect of missense changes on protein structure and function (PolyPhen-2) suggests that this variant is likely to be tolerated. In summary, the available evidence is currently insufficient to determine the role of this variant in disease. Therefore, it has been classified as a Variant of Uncertain Significance.

NM_001079668.3(NKX2-1):c.418G>A (p.Gly140Ser)

Genes: NKX2-1 (NK2 homeobox 1; minus strand), SFTA3 (surfactant associated 3; minus strand). Cytogenetic location: 14q13.3.
Variant type: single nucleotide variant.
Coding change: c.418G>A on transcript NM_001079668.3 (MANE Select); coding-DNA position 418, G replaced by A.
Protein change: p.Gly140Ser; replaces glycine 140 with serine.
Molecular consequence: missense variant.
Genome position (GRCh38, 1-based): chr14:36,519,030, C>T on the plus strand (G>A on the coding strand, the complement: NKX2-1 is on the minus strand). VCF-style: chr14-36519030-C-T. GRCh37 (hg19) VCF-style: chr14-36988235-C-T.
Other names: c.328G>A, p.Gly110Ser (NM_003317.4); short protein forms G110S, G140S.
Identifiers: ClinVar variation 3614530 (VCV003614530.2).
Genomic context (GRCh38, chr14:36,519,030, plus strand): 5'-GGCGGCCTCACTTACTGGCGGGGAAGCGCGGGTCTGGGTTGGCGCCGTACCATCCGGGGC[C>T]AGAGGCGCTGTTCCTCATGGTGTCCTGGTACGGCGGCAGCTCGCTCATGTTGCCCAGGTT-3'
Protein context (NP_001073136.1, residues 130-150): YQDTMRNSAS[Gly140Ser]PGWYGANPDP